The following is an entry in ClinVar:

ClinVar aggregate classification (germline): Uncertain significance (1 of 4 stars; one submission).

Allele frequency attached by ClinVar (database versions not stated): gnomAD exomes 0.00001 and 0.00002; TOPMed 0.00001; ExAC 0.00002.
gnomAD v4.1: 21 of 1,613,936 alleles (0.0013%); highest among the groups gnomAD compares: Non-Finnish European, 0.0018%; no homozygotes.

Submission:

Labcorp Genetics (formerly Invitae), Labcorp
Classification: Uncertain significance. Last evaluated: 2023-11-22. Review status: criteria provided, single submitter. Criteria: Invitae Variant Classification Sherloc (09022015). Collection method: clinical testing. Allele origin: germline.
Comment: This sequence change replaces valine, which is neutral and non-polar, with alanine, which is neutral and non-polar, at codon 117 of the EFL1 protein (p.Val117Ala). This variant is present in population databases (rs780232620, gnomAD 0.005%). This variant has not been reported in the literature in individuals affected with EFL1-related conditions. ClinVar contains an entry for this variant (Variation ID: 1400359). Advanced modeling of protein sequence and biophysical properties (such as structural, functional, and spatial information, amino acid conservation, physicochemical variation, residue mobility, and thermodynamic stability) performed at Invitae indicates that this missense variant is expected to disrupt EFL1 protein function with a positive predictive value of 80%. In summary, the available evidence is currently insufficient to determine the role of this variant in disease. Therefore, it has been classified as a Variant of Uncertain Significance.

NM_024580.6(EFL1):c.350T>C (p.Val117Ala)

Gene: EFL1 (elongation factor like GTPase 1; minus strand). Cytogenetic location: 15q25.2.
Variant type: single nucleotide variant.
Coding change: c.350T>C on transcript NM_024580.6 (MANE Select); coding-DNA position 350, T replaced by C.
Protein change: p.Val117Ala; replaces valine 117 with alanine.
Molecular consequence: missense variant. On other transcripts: 5 prime UTR variant (1), non-coding transcript variant (1).
Genome position (GRCh38, 1-based): chr15:82,241,298, A>G on the plus strand (T>C on the coding strand, the complement: EFL1 is on the minus strand). VCF-style: chr15-82241298-A-G. GRCh37 (hg19) VCF-style: chr15-82533639-A-G.
Other names: c.197T>C, p.Val66Ala (NM_001040610.3); c.-440T>C (NM_001322844.2); c.350T>C, p.Val117Ala (NM_001322845.2); short protein forms V117A, V66A.
Identifiers: ClinVar variation 1400359 (VCV001400359.6), dbSNP rs780232620, ClinGen allele CA7698303.
Genomic context (GRCh38, chr15:82,241,298, plus strand): 5'-CATTTAAGTATTTTCTCATCACAATCCATTACCTGTGGACAGACTCCTTCCACAGCATCT[A>G]CCACAATGATGCATCCATCACAAATGCGAACAGCGGTTGATACTTCTGAGGAAAAGTCCA-3'
Protein context (NP_078856.4, residues 107-127): VRICDGCIIV[Val117Ala]DAVEGVCPQT